The following is an entry in ClinVar:

ClinVar aggregate classification (germline): Likely benign. Review status: criteria provided, multiple submitters, no conflicts (2 of 4 stars). 2 submissions from 2 submitters: Likely benign (2). Last evaluated 2026-08-30.

Conditions:
Epidermolysis bullosa simplex 5B, with muscular dystrophy (EBS5B). Also called: Epidermolysis bullosa simplex with muscular dystrophy; EPIDERMOLYSIS BULLOSA SIMPLEX AND LIMB-GIRDLE MUSCULAR DYSTROPHY. Identifiers: Orphanet 257, MedGen C2931072, MONDO:0009181, OMIM 226670.
Epidermolysis bullosa simplex with nail dystrophy (EBS5D). Identifiers: MedGen C4225309, MONDO:0014661, OMIM 616487.
Autosomal recessive limb-girdle muscular dystrophy type 2Q (LGMDR17). Also called: MUSCULAR DYSTROPHY, LIMB-GIRDLE, AUTOSOMAL RECESSIVE 17. Identifiers: Orphanet 254361, MedGen C3150989, MONDO:0013390, OMIM 613723.
Epidermolysis bullosa simplex 5C, with pyloric atresia (EBS5C). Also called: PLEC-Related Epidermolysis Bullosa with Pyloric Atresia; Epidermolysis bullosa simplex with pyloric atresia; PLEC1-Related Epidermolysis Bullosa with Pyloric Atresia. Identifiers: Orphanet 158684, MedGen C2677349, MONDO:0012807, OMIM 612138.
Epidermolysis bullosa simplex, Ogna type (EBS5A). Also called: Pidermolysis bullosa simplex 5A, Ogna type; EPIDERMOLYSIS BULLOSA SIMPLEX 5A, OGNA TYPE. Identifiers: Orphanet 79401, MedGen C0432317, MONDO:0007555, OMIM 131950.
PLEC-related disorder. Also called: PLEC-related disorders; PLEC-related condition.

Allele frequency attached by ClinVar (database versions not stated): gnomAD below 0.00001 and 0.00002; gnomAD exomes 0.00002 and 0.00005; 1000 Genomes Project 30x 0.00016; ExAC 0.00016; 1000 Genomes Project 0.00020.
gnomAD v4.1: 37 of 1,584,626 alleles (0.0023%); highest among the groups gnomAD compares: South Asian, 0.037%; no homozygotes.

Submissions (2):

PreventionGenetics, part of Exact Sciences
Classification: Likely benign for PLEC-related condition. Last evaluated: 2026-08-30. Review status: criteria provided, single submitter. Criteria: ACMG Guidelines, 2015. Collection method: clinical testing. Allele origin: germline.
Comment: This variant is classified as likely benign based on ACMG/AMP sequence variant interpretation guidelines (Richards et al. 2015 PMID: 25741868, with internal and published modifications).

Labcorp Genetics (formerly Invitae), Labcorp
Classification: Likely benign for Autosomal recessive limb-girdle muscular dystrophy type 2Q; Epidermolysis bullosa simplex, Ogna type; Epidermolysis bullosa simplex with nail dystrophy; Epidermolysis bullosa simplex 5C, with pyloric atresia; Epidermolysis bullosa simplex 5B, with muscular dystrophy. Last evaluated: 2024-11-15. Review status: criteria provided, single submitter. Criteria: Invitae Variant Classification Sherloc (09022015). Collection method: clinical testing. Allele origin: germline.

NM_201384.3(PLEC):c.2305-4A>C

Gene: PLEC (plectin; minus strand). Cytogenetic location: 8q24.3.
Variant type: single nucleotide variant.
Coding change: c.2305-4A>C on transcript NM_201384.3 (MANE Select); 4 bases into the intron before coding-DNA position 2305, A replaced by C.
Molecular consequence: intron variant.
Genome position (GRCh38, 1-based): chr8:143,930,540, T>G on the plus strand (A>C on the coding strand, the complement: PLEC is on the minus strand). VCF-style: chr8-143930540-T-G. GRCh37 (hg19) VCF-style: chr8-145004708-T-G.
Other names: c.2386-4A>C (NM_000445.5); c.2263-4A>C (NM_201378.4); c.2239-4A>C (NM_201379.3); c.2716-4A>C (NM_201380.4); c.2209-4A>C (NM_201381.3); c.2305-4A>C (NM_201382.4); c.2317-4A>C (NM_201383.3).
Identifiers: ClinVar variation 765376 (VCV000765376.8), dbSNP rs528767533, ClinGen allele CA4927573.